The following is an entry in ClinVar:

ClinVar aggregate classification (germline): Uncertain significance (1 of 4 stars; one submission).

Conditions:
Developmental and epileptic encephalopathy, 53. Also called: Epileptic encephalopathy, early infantile, 53. Identifiers: MedGen C4479313, MONDO:0033362, OMIM 617389.
Early-onset Parkinson disease 20. Also called: PARKINSON DISEASE 20, AUTOSOMAL RECESSIVE EARLY-ONSET. Identifiers: Orphanet 391411, MedGen C3809824, MONDO:0014233, OMIM 615530.

Allele frequency attached by ClinVar (database versions not stated): gnomAD 0.00001 and 0.00002; TOPMed 0.00002.
gnomAD v4.1: 3 of 1,612,126 alleles (0.00019%); highest among the groups gnomAD compares: African/African-American, 0.004%; no homozygotes.

Submission:

Labcorp Genetics (formerly Invitae), Labcorp
Classification: Uncertain significance for Developmental and epileptic encephalopathy, 53; Early-onset Parkinson disease 20. Last evaluated: 2024-02-17. Review status: criteria provided, single submitter. Criteria: Invitae Variant Classification Sherloc (09022015). Collection method: clinical testing. Allele origin: germline.
Comment: This sequence change replaces isoleucine, which is neutral and non-polar, with valine, which is neutral and non-polar, at codon 1005 of the SYNJ1 protein (p.Ile1005Val). This variant is not present in population databases (gnomAD no frequency). This variant has not been reported in the literature in individuals affected with SYNJ1-related conditions. ClinVar contains an entry for this variant (Variation ID: 641996). Advanced modeling of protein sequence and biophysical properties (such as structural, functional, and spatial information, amino acid conservation, physicochemical variation, residue mobility, and thermodynamic stability) performed at Invitae indicates that this missense variant is not expected to disrupt SYNJ1 protein function with a negative predictive value of 80%. In summary, the available evidence is currently insufficient to determine the role of this variant in disease. Therefore, it has been classified as a Variant of Uncertain Significance.

NM_203446.3(SYNJ1):c.2896A>G (p.Ile966Val)

Gene: SYNJ1 (synaptojanin 1; minus strand). Cytogenetic location: 21q22.11.
Variant type: single nucleotide variant.
Coding change: c.2896A>G on transcript NM_203446.3 (MANE Select); coding-DNA position 2896, A replaced by G.
Protein change: p.Ile966Val; replaces isoleucine 966 with valine.
Molecular consequence: missense variant.
Genome position (GRCh38, 1-based): chr21:32,650,325, T>C on the plus strand (A>G on the coding strand, the complement: SYNJ1 is on the minus strand). VCF-style: chr21-32650325-T-C. GRCh37 (hg19) VCF-style: chr21-34022635-T-C.
Other names: c.2896A>G, p.Ile966Val (NM_001160302.2); c.2881A>G, p.Ile961Val (NM_001160306.2); c.3013A>G, p.Ile1005Val (NM_003895.4); short protein forms I1005V, I961V, I966V.
Identifiers: ClinVar variation 641996 (VCV000641996.8), dbSNP rs1601283648, ClinGen allele CA410070809.